The following is an entry in ClinVar:

NM_001244008.2(KIF1A):c.4804A>C (p.Thr1602Pro)

Gene: KIF1A (kinesin family member 1A; minus strand). Cytogenetic location: 2q37.3.
Variant type: single nucleotide variant.
Coding change: c.4804A>C on transcript NM_001244008.2 (MANE Select); coding-DNA position 4804, A replaced by C.
Protein change: p.Thr1602Pro; replaces threonine 1602 with proline.
Molecular consequence: missense variant.
Genome position (GRCh38, 1-based): chr2:240,720,978, T>G on the plus strand (A>C on the coding strand, the complement: KIF1A is on the minus strand). VCF-style: chr2-240720978-T-G. GRCh37 (hg19) VCF-style: chr2-241660395-T-G.
Other names: c.4528A>C, p.Thr1510Pro (NM_001320705.2, NM_001379649.1); c.4555A>C, p.Thr1519Pro (NM_001330289.2); c.4603A>C, p.Thr1535Pro (NM_001330290.2, NM_001379648.1); c.4879A>C, p.Thr1627Pro (NM_001379631.1); c.4780A>C, p.Thr1594Pro (NM_001379632.1); c.4777A>C, p.Thr1593Pro (NM_001379633.1, NM_001379645.1); c.4630A>C, p.Thr1544Pro (NM_001379634.1); c.4627A>C, p.Thr1543Pro (NM_001379635.1, NM_001379646.1); and 7 more; short protein forms T1509P, T1500P, T1518P, T1519P, T1535P, T1539P, T1543P, T1544P.
Identifiers: ClinVar variation 1401585 (VCV001401585.6), dbSNP rs2125585579, ClinGen allele CA351301790.

ClinVar aggregate classification (germline): Uncertain significance (1 of 4 stars; one submission).

Conditions:
Hereditary spastic paraplegia 30. Identifiers: Orphanet 101010, MedGen C5235139, MONDO:0012476.
Neuropathy, hereditary sensory, type 2C. Also called: Hereditary sensory and autonomic neuropathy type IIC; KIF1A-Related HSAN2 (HSAN2C). Identifiers: Orphanet 970, MedGen C3280168, MONDO:0013634, OMIM 614213.
Intellectual disability, autosomal dominant 9 (NESCAVS). Also called: NESCAV SYNDROME; KIF1A-Related Neurodevelopmental Disorder. Identifiers: Orphanet 662367, MedGen C5393830, MONDO:0013656, OMIM 614255.

Submission:

Labcorp Genetics (formerly Invitae), Labcorp
Classification: Uncertain significance for Hereditary spastic paraplegia 30; Neuropathy, hereditary sensory, type 2C; Intellectual disability, autosomal dominant 9. Last evaluated: 2021-08-19. Review status: criteria provided, single submitter. Criteria: Invitae Variant Classification Sherloc (09022015). Collection method: clinical testing. Allele origin: germline.
Comment: Advanced modeling of protein sequence and biophysical properties (such as structural, functional, and spatial information, amino acid conservation, physicochemical variation, residue mobility, and thermodynamic stability) performed at Invitae indicates that this missense variant is not expected to disrupt KIF1A protein function. In summary, the available evidence is currently insufficient to determine the role of this variant in disease. Therefore, it has been classified as a Variant of Uncertain Significance. This variant has not been reported in the literature in individuals affected with KIF1A-related conditions. This variant is not present in population databases (ExAC no frequency). This sequence change replaces threonine with proline at codon 1501 of the KIF1A protein (p.Thr1501Pro). The threonine residue is moderately conserved and there is a small physicochemical difference between threonine and proline.